The following is an entry in ClinVar:

ClinVar aggregate classification (germline): Conflicting classifications of pathogenicity. Review status: criteria provided, conflicting classifications (1 of 4 stars). 4 submissions from 4 submitters: Uncertain significance (2); Likely benign (2). Last evaluated 2025-09-30.

Conditions:
Inborn genetic diseases. Identifiers: MedGen C0950123, MeSH D030342.
MACF1-related disorder. Also called: MACF1-related condition.

Allele frequency attached by ClinVar (database versions not stated): gnomAD exomes 0.00002; TOPMed 0.00002; ExAC 0.00005; gnomAD 0.00006.
gnomAD v4.1: 45 of 1,613,338 alleles (0.0028%); highest among the groups gnomAD compares: Admixed American, 0.013%; no homozygotes.

Submissions (4):

PreventionGenetics, part of Exact Sciences
Classification: Uncertain significance for MACF1-related condition. Last evaluated: 2025-09-30. Review status: criteria provided, single submitter. Criteria: ACMG Guidelines, 2015. Collection method: clinical testing. Allele origin: germline.
Comment: The MACF1 c.3592T>C variant is predicted to result in the amino acid substitution p.Ser1198Pro. To our knowledge, this variant has not been reported in the literature. This variant is reported in 0.0085% of alleles in individuals of Latino descent in gnomAD. At this time, the clinical significance of this variant is uncertain due to the absence of conclusive functional and genetic evidence.

Laboratory of Genetics, Children's Clinical University Hospital Latvia
Classification: Likely benign. Last evaluated: 2025-02-16. Review status: criteria provided, single submitter. Criteria: ACMG Guidelines, 2015. Collection method: clinical testing. Allele origin: germline. Affected: yes.

Labcorp Genetics (formerly Invitae), Labcorp
Classification: Uncertain significance. Last evaluated: 2024-10-14. Review status: criteria provided, single submitter. Criteria: Invitae Variant Classification Sherloc (09022015). Collection method: clinical testing. Allele origin: germline.
Comment: This sequence change replaces serine, which is neutral and polar, with proline, which is neutral and non-polar, at codon 1198 of the MACF1 protein (p.Ser1198Pro). This variant is present in population databases (rs751454750, gnomAD 0.009%). This variant has not been reported in the literature in individuals affected with MACF1-related conditions. An algorithm developed to predict the effect of missense changes on protein structure and function (PolyPhen-2) suggests that this variant is likely to be tolerated. In summary, the available evidence is currently insufficient to determine the role of this variant in disease. Therefore, it has been classified as a Variant of Uncertain Significance.

Ambry Genetics
Classification: Likely benign for Inborn genetic diseases. Last evaluated: 2021-10-29. Review status: criteria provided, single submitter. Criteria: Ambry Variant Classification Scheme 2023. Collection method: clinical testing. Allele origin: germline.

NM_001394062.1(MACF1):c.3577T>C (p.Ser1193Pro)

Gene: MACF1 (microtubule actin crosslinking factor 1; plus strand). Cytogenetic location: 1p34.3.
Variant type: single nucleotide variant.
Coding change: c.3577T>C on transcript NM_001394062.1 (MANE Select); coding-DNA position 3577, T replaced by C.
Protein change: p.Ser1193Pro; replaces serine 1193 with proline.
Molecular consequence: missense variant.
Genome position (GRCh38, 1-based): chr1:39,316,518, T>C. VCF-style: chr1-39316518-T-C. GRCh37 (hg19) VCF-style: chr1-39782190-T-C.
Other names: c.3592T>C, p.Ser1198Pro (NM_012090.5); short protein forms S1193P, S1198P.
Identifiers: ClinVar variation 3121881 (VCV003121881.5), dbSNP rs751454750, ClinGen allele CA780005.